The following is an entry in ClinVar:

ClinVar aggregate classification (germline): Uncertain significance. Review status: criteria provided, multiple submitters, no conflicts (2 of 4 stars). 2 submissions from 2 submitters: Uncertain significance (2). Last evaluated 2024-12-09.

Conditions:
Neutral lipid storage myopathy (NLSDM). Also called: NEUTRAL LIPID STORAGE DISEASE WITHOUT ICHTHYOSIS. Identifiers: Orphanet 98908, MedGen C1853136, MONDO:0012545, OMIM 610717.

Allele frequency attached by ClinVar (database versions not stated): gnomAD 0.00001; gnomAD exomes 0.00002 and 0.00004; ExAC 0.00005.
gnomAD v4.1: 25 of 1,608,284 alleles (0.0016%); highest among the groups gnomAD compares: South Asian, 0.021%; no homozygotes.

Submissions (2):

Labcorp Genetics (formerly Invitae), Labcorp
Classification: Uncertain significance for Neutral lipid storage myopathy. Last evaluated: 2024-12-09. Review status: criteria provided, single submitter. Criteria: Invitae Variant Classification Sherloc (09022015). Collection method: clinical testing. Allele origin: germline.
Comment: This sequence change replaces alanine, which is neutral and non-polar, with valine, which is neutral and non-polar, at codon 331 of the PNPLA2 protein (p.Ala331Val). This variant is present in population databases (rs765466917, gnomAD 0.03%). This variant has not been reported in the literature in individuals affected with PNPLA2-related conditions. ClinVar contains an entry for this variant (Variation ID: 1413210). Invitae Evidence Modeling of protein sequence and biophysical properties (such as structural, functional, and spatial information, amino acid conservation, physicochemical variation, residue mobility, and thermodynamic stability) indicates that this missense variant is not expected to disrupt PNPLA2 protein function with a negative predictive value of 80%. In summary, the available evidence is currently insufficient to determine the role of this variant in disease. Therefore, it has been classified as a Variant of Uncertain Significance.

Clinical Genetics Laboratory, Skane University Hospital Lund
Classification: Uncertain significance. Last evaluated: 2022-05-27. Review status: criteria provided, single submitter. Criteria: ACMG Guidelines, 2015. Collection method: clinical testing. Allele origin: germline. Affected: yes.

NM_020376.4(PNPLA2):c.992C>T (p.Ala331Val)

Gene: PNPLA2 (patatin like domain 2, triacylglycerol lipase; plus strand). Cytogenetic location: 11p15.5.
Variant type: single nucleotide variant.
Coding change: c.992C>T on transcript NM_020376.4 (MANE Select); coding-DNA position 992, C replaced by T.
Protein change: p.Ala331Val; replaces alanine 331 with valine.
Molecular consequence: missense variant.
Genome position (GRCh38, 1-based): chr11:824,070, C>T. VCF-style: chr11-824070-C-T. GRCh37 (hg19) VCF-style: chr11-824070-C-T.
Other names: short protein forms A331V.
Identifiers: ClinVar variation 1413210 (VCV001413210.6), dbSNP rs765466917, ClinGen allele CA5791266.
Genomic context (GRCh38, chr11:824,070, plus strand): 5'-CCTGCGTGGAGCCCACGGACCTGCTGACCACCCTCTCCAACATGCTGCCTGTGCGTCTGG[C>T]CACGGCCATGATGGTGCCCTACACGCTGCCGCTGGAGAGCGCTCTGTCCTTCACCATCCG-3'
Protein context (NP_065109.1, residues 321-341): TLSNMLPVRL[Ala331Val]TAMMVPYTLP